The following is an entry in ClinVar:

ClinVar aggregate classification (germline): Uncertain significance (1 of 4 stars; one submission).

Conditions:
Ataxia-telangiectasia syndrome (AT). Also called: LOUIS-BAR SYNDROME; Cerebello-oculocutaneous telangiectasia; Immunodeficiency with ataxia telangiectasia; AT, COMPLEMENTATION GROUP C; Ataxia-telangiectasia, complementation group D; ATAXIA-TELANGIECTASIA, COMPLEMENTATION GROUP A. Identifiers: Orphanet 100, MedGen C0004135, MONDO:0008840, OMIM 208900.

Submission:

Labcorp Genetics (formerly Invitae), Labcorp
Classification: Uncertain significance for Ataxia-telangiectasia syndrome. Last evaluated: 2023-05-04. Review status: criteria provided, single submitter. Criteria: Invitae Variant Classification Sherloc (09022015). Collection method: clinical testing. Allele origin: unknown.
Comment: In summary, the available evidence is currently insufficient to determine the role of this variant in disease. Therefore, it has been classified as a Variant of Uncertain Significance. Experimental studies and prediction algorithms are not available or were not evaluated, and the functional significance of this variant is currently unknown. This variant has not been reported in the literature in individuals affected with ATM-related conditions. This variant results in a copy number gain of the genomic region encompassing exon(s) 1-58 of the ATM gene. This region includes the initiator codon of the gene. This copy number gain extends beyond the assayed region for this gene and therefore may encompass additional genes. As the precise location of this event is unknown, it may be in tandem or it may be located elsewhere in the genome.

NC_000011.9:g.(?_108093770)_(108216645_?)dup

Gene: ATM (ATM serine/threonine kinase; plus strand). Cytogenetic location: 11q22.3.
Variant type: Duplication.
Identifiers: ClinVar variation 3244488 (VCV003244488.1).